The following is an entry in ClinVar:

ClinVar aggregate classification (germline): Uncertain significance (1 of 4 stars; one submission).

Conditions:
Alstrom syndrome (ALMS). Identifiers: Orphanet 64, MedGen C0268425, MONDO:0008763, OMIM 203800.

Submission:

Labcorp Genetics (formerly Invitae), Labcorp
Classification: Uncertain significance for Alstrom syndrome. Last evaluated: 2022-07-06. Review status: criteria provided, single submitter. Criteria: Invitae Variant Classification Sherloc (09022015). Collection method: clinical testing. Allele origin: germline.
Comment: Experimental studies and prediction algorithms are not available or were not evaluated, and the functional significance of this variant is currently unknown. In summary, the available evidence is currently insufficient to determine the role of this variant in disease. Therefore, it has been classified as a Variant of Uncertain Significance. ClinVar contains an entry for this variant (Variation ID: 1512898). This sequence change replaces proline with serine at codon 1587 of the ALMS1 protein (p.Pro1587Ser). The proline residue is weakly conserved and there is a moderate physicochemical difference between proline and serine. This variant is not present in population databases (gnomAD no frequency). This variant has not been reported in the literature in individuals affected with ALMS1-related conditions.

NM_001378454.1(ALMS1):c.4756C>T (p.Pro1586Ser)

Gene: ALMS1 (ALMS1 centrosome and basal body associated protein; plus strand). Cytogenetic location: 2p13.1.
Variant type: single nucleotide variant.
Coding change: c.4756C>T on transcript NM_001378454.1 (MANE Select); coding-DNA position 4756, C replaced by T.
Protein change: p.Pro1586Ser; replaces proline 1586 with serine.
Molecular consequence: missense variant.
Genome position (GRCh38, 1-based): chr2:73,451,283, C>T. VCF-style: chr2-73451283-C-T. GRCh37 (hg19) VCF-style: chr2-73678410-C-T.
Other names: c.4759C>T, p.Pro1587Ser (NM_015120.4); short protein forms P1587S, P1586S.
Identifiers: ClinVar variation 1512898 (VCV001512898.6), dbSNP rs768373356, ClinGen allele CA347279200.
Genomic context (GRCh38, chr2:73,451,283, plus strand): 5'-ATAACCTCTACTTCCTACTCATTTGGAGAGAAGCCGATTGTTAACTACAAACAGGCCTTT[C>T]CAGATGGTCATCTACCTGAAGAGGCTCTGAAAGTTTCCATTGTTTCTGGACCTACTGAAA-3'
Protein context (NP_001365383.1, residues 1576-1596): KPIVNYKQAF[Pro1586Ser]DGHLPEEALK